The following is an entry in ClinVar:

NM_001365951.3(KIF1B):c.1622C>A (p.Pro541Gln)

Gene: KIF1B (kinesin family member 1B; plus strand). Cytogenetic location: 1p36.22.
Variant type: single nucleotide variant.
Coding change: c.1622C>A on transcript NM_001365951.3 (MANE Select); coding-DNA position 1622, C replaced by A.
Protein change: p.Pro541Gln; replaces proline 541 with glutamine.
Molecular consequence: missense variant.
Genome position (GRCh38, 1-based): chr1:10,295,117, C>A. VCF-style: chr1-10295117-C-A. GRCh37 (hg19) VCF-style: chr1-10355175-C-A.
Other names: c.1622C>A, p.Pro541Gln (NM_001365952.1); c.1484C>A, p.Pro495Gln (NM_001365953.1, NM_015074.3, NM_183416.4); short protein forms P495Q, P541Q.
Identifiers: ClinVar variation 3709714 (VCV003709714.2).

ClinVar aggregate classification (germline): Uncertain significance (1 of 4 stars; one submission).

Conditions:
Charcot-Marie-Tooth disease type 2. Also called: Charcot-Marie-Tooth type 2. Identifiers: Orphanet 64746, MedGen C0270914, MONDO:0018993.

Submission:

Labcorp Genetics (formerly Invitae), Labcorp
Classification: Uncertain significance for Charcot-Marie-Tooth disease type 2. Last evaluated: 2024-06-12. Review status: criteria provided, single submitter. Criteria: Invitae Variant Classification Sherloc (09022015). Collection method: clinical testing. Allele origin: germline.
Comment: This sequence change replaces proline, which is neutral and non-polar, with glutamine, which is neutral and polar, at codon 495 of the KIF1B protein (p.Pro495Gln). This variant is not present in population databases (gnomAD no frequency). This variant has not been reported in the literature in individuals affected with KIF1B-related conditions. Advanced modeling of protein sequence and biophysical properties (such as structural, functional, and spatial information, amino acid conservation, physicochemical variation, residue mobility, and thermodynamic stability) has been performed at Invitae for this missense variant, however the output from this modeling did not meet the statistical confidence thresholds required to predict the impact of this variant on KIF1B protein function. In summary, the available evidence is currently insufficient to determine the role of this variant in disease. Therefore, it has been classified as a Variant of Uncertain Significance.